The following is an entry in ClinVar:

ClinVar aggregate classification (germline): Benign (1 of 4 stars; one submission).

gnomAD v4.1: 231 of 443,476 alleles (0.052%); highest among the groups gnomAD compares: South Asian, 0.3%; 2 homozygotes.

Submission:

CeGaT Center for Human Genetics Tuebingen
Classification: Benign. Last evaluated: 2025-10-01. Review status: criteria provided, single submitter. Criteria: CeGaT Center For Human Genetics Tuebingen Variant Classification Criteria Version 2. Collection method: clinical testing. Allele origin: germline. Affected: yes. Observed: 1 variant allele.
Comment: PLEC: BS1, BS2

NM_201378.4(PLEC):c.70+14682C>T

Gene: PLEC (plectin; minus strand). Cytogenetic location: 8q24.3.
Variant type: single nucleotide variant.
Coding change: c.70+14682C>T on transcript NM_201378.4 (MANE Plus Clinical); 14682 bases into the intron after coding-DNA position 70, C replaced by T.
Molecular consequence: intron variant.
Genome position (GRCh38, 1-based): chr8:143,958,721, G>A on the plus strand (C>T on the coding strand, the complement: PLEC is on the minus strand). VCF-style: chr8-143958721-G-A. GRCh37 (hg19) VCF-style: chr8-145032889-G-A.
Other names: c.193+16456C>T (NM_001410941.1, NM_000445.5).
Identifiers: ClinVar variation 4533467 (VCV004533467.6).